The following is an entry in ClinVar:

ClinVar aggregate classification (germline): Likely benign (0 of 4 stars; one submission).

Conditions:
ITGA6-related disorder. Also called: ITGA6-related condition.

Allele frequency attached by ClinVar (database versions not stated): 1000 Genomes Project 30x 0.00031.
gnomAD v4.1: 110 of 1,612,504 alleles (0.0068%); highest among the groups gnomAD compares: Admixed American, 0.18%; no homozygotes.

Submission:

PreventionGenetics, part of Exact Sciences
Classification: Likely benign for ITGA6-related condition. Last evaluated: 2024-02-01. Review status: no assertion criteria provided. Collection method: clinical testing. Allele origin: germline.
Comment: This variant is classified as likely benign based on ACMG/AMP sequence variant interpretation guidelines (Richards et al. 2015 PMID: 25741868, with internal and published modifications).

NM_001394928.1(ITGA6):c.844C>A (p.Arg282=)

Genes: ITGA6 (integrin subunit alpha 6; plus strand), PDK1-AS1 (PDK1 and ITGA6 antisense RNA 1; minus strand). Cytogenetic location: 2q31.1.
Variant type: single nucleotide variant.
Coding change: c.844C>A on transcript NM_001394928.1 (MANE Plus Clinical); coding-DNA position 844, C replaced by A.
Protein change: p.Arg282=; no amino-acid change (arginine 282 retained).
Molecular consequence: synonymous variant. On other transcripts: intron variant (4).
Genome position (GRCh38, 1-based): chr2:172,472,842, C>A. VCF-style: chr2-172472842-C-A. GRCh37 (hg19) VCF-style: chr2-173337570-C-A.
Other names: c.370C>A, p.Arg124= (NM_001316306.2); c.776-1213C>A (NM_000210.4, NM_001079818.3, NM_001365530.2 and 1 more transcripts).
Identifiers: ClinVar variation 3048327 (VCV003048327.2), dbSNP rs373728387, ClinGen allele CA1967948.
Genomic context (GRCh38, chr2:172,472,842, plus strand): 5'-TTTTTGACCAGCGTTTCCTATACAGATCCTGATCAGTTTGTTTATAAAACACGGCCTCCC[C>A]GGGAGCAGCCTGACACATTCCCTGATGTGATGATGAATAGCTACCTAGGTTTGTGACCTC-3'
Protein context (NP_001381857.1, residues 272-292): DQFVYKTRPP[Arg282=]EQPDTFPDVM